The following is an entry in ClinVar:

NM_199420.4(POLQ):c.4211C>T (p.Ser1404Leu)

Gene: POLQ (DNA polymerase theta; minus strand). Cytogenetic location: 3q13.33.
Variant type: single nucleotide variant.
Coding change: c.4211C>T on transcript NM_199420.4 (MANE Select); coding-DNA position 4211, C replaced by T.
Protein change: p.Ser1404Leu; replaces serine 1404 with leucine.
Molecular consequence: missense variant.
Genome position (GRCh38, 1-based): chr3:121,488,720, G>A on the plus strand (C>T on the coding strand, the complement: POLQ is on the minus strand). VCF-style: chr3-121488720-G-A. GRCh37 (hg19) VCF-style: chr3-121207567-G-A.
Other names: short protein forms S1404L.
Identifiers: ClinVar variation 2449038 (VCV002449038.2), dbSNP rs2546786194, ClinGen allele CA354095744.

ClinVar aggregate classification (germline): Uncertain significance (1 of 4 stars; one submission).

Submission:

Ambry Genetics
Classification: Uncertain significance. Last evaluated: 2023-02-28. Review status: criteria provided, single submitter. Criteria: Ambry Variant Classification Scheme 2023. Collection method: clinical testing. Allele origin: germline.
Comment: The p.S1404L variant (also known as c.4211C>T), located in coding exon 16 of the POLQ gene, results from a C to T substitution at nucleotide position 4211. The serine at codon 1404 is replaced by leucine, an amino acid with dissimilar properties. This amino acid position is conserved. In addition, this alteration is predicted to be tolerated by in silico analysis. Since supporting evidence is limited at this time, the clinical significance of this alteration remains unclear.